The following is an entry in ClinVar:

ClinVar aggregate classification (germline): Uncertain significance. Review status: criteria provided, multiple submitters, no conflicts (2 of 4 stars). 3 submissions from 3 submitters: Uncertain significance (3). Last evaluated 2026-08-31.

Conditions:
NPHP3-related disorder. Also called: NPHP3-related condition; NPHP3-related disorders. Identifiers: MedGen CN379163.
Inborn genetic diseases. Identifiers: MedGen C0950123, MeSH D030342.
Nephronophthisis. Also called: Juvenile Nephronophthisis. Identifiers: Orphanet 655, MedGen C0687120, MONDO:0019005, HP:0000090.

Allele frequency attached by ClinVar (database versions not stated): TOPMed 0.00001; ExAC 0.00002; gnomAD exomes 0.00002 and 0.00004.
gnomAD v4.1: 12 of 1,614,186 alleles (0.00074%); highest among the groups gnomAD compares: Admixed American, 0.02%; no homozygotes.

Submissions (3):

PreventionGenetics, part of Exact Sciences
Classification: Uncertain significance for NPHP3-related condition. Last evaluated: 2026-08-31. Review status: criteria provided, single submitter. Criteria: ACMG Guidelines, 2015. Collection method: clinical testing. Allele origin: germline.
Comment: The NPHP3 c.1424A>G variant is predicted to result in the amino acid substitution p.Asp475Gly. To our knowledge, this variant has not been reported in the literature. This variant is reported in 0.029% of alleles in individuals of Latino descent in gnomAD. At this time, the clinical significance of this variant is uncertain due to the absence of conclusive functional and genetic evidence.

Ambry Genetics
Classification: Uncertain significance for Inborn genetic diseases. Last evaluated: 2024-06-18. Review status: criteria provided, single submitter. Criteria: Ambry Variant Classification Scheme 2023. Collection method: clinical testing. Allele origin: germline.

Labcorp Genetics (formerly Invitae), Labcorp
Classification: Uncertain significance for Nephronophthisis. Last evaluated: 2022-07-19. Review status: criteria provided, single submitter. Criteria: Invitae Variant Classification Sherloc (09022015). Collection method: clinical testing. Allele origin: germline.
Comment: This sequence change replaces aspartic acid, which is acidic and polar, with glycine, which is neutral and non-polar, at codon 475 of the NPHP3 protein (p.Asp475Gly). This variant is present in population databases (rs773520877, gnomAD 0.03%). This variant has not been reported in the literature in individuals affected with NPHP3-related conditions. ClinVar contains an entry for this variant (Variation ID: 462723). Algorithms developed to predict the effect of missense changes on protein structure and function are either unavailable or do not agree on the potential impact of this missense change (SIFT: "Deleterious"; PolyPhen-2: "Benign"; Align-GVGD: "Class C0"). Algorithms developed to predict the effect of sequence changes on RNA splicing suggest that this variant may create or strengthen a splice site. In summary, the available evidence is currently insufficient to determine the role of this variant in disease. Therefore, it has been classified as a Variant of Uncertain Significance.

NM_153240.5(NPHP3):c.1424A>G (p.Asp475Gly)

Genes: NPHP3 (nephrocystin 3; minus strand), NPHP3-ACAD11 (NPHP3-ACAD11 readthrough (NMD candidate); minus strand). Cytogenetic location: 3q22.1.
Variant type: single nucleotide variant.
Coding change: c.1424A>G on transcript NM_153240.5 (MANE Select); coding-DNA position 1424, A replaced by G.
Protein change: p.Asp475Gly; replaces aspartic acid 475 with glycine.
Molecular consequence: missense variant. On other transcripts: non-coding transcript variant (1).
Genome position (GRCh38, 1-based): chr3:132,704,298, T>C on the plus strand (A>G on the coding strand, the complement: NPHP3 is on the minus strand). VCF-style: chr3-132704298-T-C. GRCh37 (hg19) VCF-style: chr3-132423142-T-C.
Other names: short protein forms D475G.
Identifiers: ClinVar variation 462723 (VCV000462723.5), dbSNP rs773520877, ClinGen allele CA2622309.